The following is an entry in ClinVar:

ClinVar aggregate classification (germline): Uncertain significance. Review status: criteria provided, multiple submitters, no conflicts (2 of 4 stars). 3 submissions from 3 submitters: Uncertain significance (3). Last evaluated 2026-09-11.

Conditions:
ZNF423-related disorder. Also called: ZNF423-related condition.
Nephronophthisis 14 (NPHP14). Identifiers: Orphanet 2318, MedGen C3539071, MONDO:0013916, OMIM 614844.

Allele frequency attached by ClinVar (database versions not stated): gnomAD 0.00014 and 0.00013; ESP Exome Variant Server 0.00008; gnomAD exomes 0.00009; ExAC 0.00010; TOPMed 0.00011.
gnomAD v4.1: 153 of 1,614,032 alleles (0.0095%); highest among the groups gnomAD compares: Admixed American, 0.013%; 1 homozygote.

Submissions (3):

PreventionGenetics, part of Exact Sciences
Classification: Uncertain significance for ZNF423-related condition. Last evaluated: 2026-09-11. Review status: criteria provided, single submitter. Criteria: ACMG Guidelines, 2015. Collection method: clinical testing. Allele origin: germline.
Comment: The ZNF423 c.3778G>A variant is predicted to result in the amino acid substitution p.Asp1260Asn. To our knowledge, this variant has not been reported in the literature. This variant is reported in 0.039% of alleles in individuals of Ashkenazi Jewish descent in gnomAD. At this time, the clinical significance of this variant is uncertain due to the absence of conclusive functional and genetic evidence.

Labcorp Genetics (formerly Invitae), Labcorp
Classification: Uncertain significance for Nephronophthisis 14. Last evaluated: 2024-10-07. Review status: criteria provided, single submitter. Criteria: Invitae Variant Classification Sherloc (09022015). Collection method: clinical testing. Allele origin: germline.
Comment: This sequence change replaces aspartic acid, which is acidic and polar, with asparagine, which is neutral and polar, at codon 1260 of the ZNF423 protein (p.Asp1260Asn). This variant is present in population databases (rs199688997, gnomAD 0.05%). This variant has not been reported in the literature in individuals affected with ZNF423-related conditions. ClinVar contains an entry for this variant (Variation ID: 657679). Invitae Evidence Modeling of protein sequence and biophysical properties (such as structural, functional, and spatial information, amino acid conservation, physicochemical variation, residue mobility, and thermodynamic stability) has been performed for this missense variant. However, the output from this modeling did not meet the statistical confidence thresholds required to predict the impact of this variant on ZNF423 protein function. In summary, the available evidence is currently insufficient to determine the role of this variant in disease. Therefore, it has been classified as a Variant of Uncertain Significance.

Blueprint Genetics
Classification: Uncertain significance. Last evaluated: 2024-09-21. Review status: criteria provided, single submitter. Criteria: ACMG Guidelines, 2015. Collection method: clinical testing. Allele origin: germline.

NM_001379286.1(ZNF423):c.3802G>A (p.Asp1268Asn)

Gene: ZNF423 (zinc finger protein 423; minus strand). Cytogenetic location: 16q12.1.
Variant type: single nucleotide variant.
Coding change: c.3802G>A on transcript NM_001379286.1 (MANE Select); coding-DNA position 3802, G replaced by A.
Protein change: p.Asp1268Asn; replaces aspartic acid 1268 with asparagine.
Molecular consequence: missense variant.
Genome position (GRCh38, 1-based): chr16:49,523,671, C>T on the plus strand (G>A on the coding strand, the complement: ZNF423 is on the minus strand). VCF-style: chr16-49523671-C-T. GRCh37 (hg19) VCF-style: chr16-49557582-C-T.
Other names: c.3598G>A, p.Asp1200Asn (NM_001271620.2); c.3427G>A, p.Asp1143Asn (NM_001330533.2); c.3778G>A, p.Asp1260Asn (NM_015069.5); c.3778G>A (NM_015069.4); short protein forms D1260N, D1143N, D1200N, D1268N.
Identifiers: ClinVar variation 657679 (VCV000657679.9), dbSNP rs199688997, ClinGen allele CA8046195.
Genomic context (GRCh38, chr16:49,523,671, plus strand): 5'-TGTGGGCACCCACCTGCAGCTCGGTCTGGAAGAAGAACTTCTGAGGGCACTGTGAGCAGT[C>T]GTAGATCTTGTCCTCCTGCCCGTGCACGGCAAAGATGTGCTGCTGCAACTTGTTGGCCTG-3'
Protein context (NP_001366215.1, residues 1258-1278): AVHGQEDKIY[Asp1268Asn]CSQCPQKFFF